The following is an entry in ClinVar:

NC_000003.11:g.(?_167437830)_(167437945_?)del

Gene: PDCD10 (programmed cell death 10; minus strand). Cytogenetic location: 3q26.1.
Variant type: Deletion.
Identifiers: ClinVar variation 1459562 (VCV001459562.4).

ClinVar aggregate classification (germline): Pathogenic (1 of 4 stars; one submission).

Conditions:
Cerebral cavernous malformation 3. Also called: Familial Cerebral Cavernous Malformation 3. Identifiers: Orphanet 221061, MedGen C1864040, MONDO:0011305, OMIM 603285.

Submission:

Labcorp Genetics (formerly Invitae), Labcorp
Classification: Pathogenic for Cerebral cavernous malformation 3. Last evaluated: 2023-06-27. Review status: criteria provided, single submitter. Criteria: Invitae Variant Classification Sherloc (09022015). Collection method: clinical testing. Allele origin: germline.
Comment: For these reasons, this variant has been classified as Pathogenic. This variant has not been reported in the literature in individuals affected with PDCD10-related conditions. This variant is a gross deletion of the genomic region encompassing exon(s) 2 of the PDCD10 gene, which includes the initiator codon. This deletion extends beyond the assayed region for this gene and therefore may encompass additional genes. It is expected to result in an absent or disrupted protein product. Loss-of-function variants in PDCD10 are known to be pathogenic (PMID: 15543491, 18300272, 23801932).

Literature cited by the submitters: PubMed 15543491; PubMed 18300272; PubMed 23801932.